The following is an entry in ClinVar:

NM_001754.5(RUNX1):c.843C>T (p.Tyr281=)

Gene: RUNX1 (RUNX family transcription factor 1; minus strand). Cytogenetic location: 21q22.12.
Variant type: single nucleotide variant.
Coding change: c.843C>T on transcript NM_001754.5 (MANE Select); coding-DNA position 843, C replaced by T.
Protein change: p.Tyr281=; no amino-acid change (tyrosine 281 retained).
Molecular consequence: synonymous variant.
Genome position (GRCh38, 1-based): chr21:34,799,425, G>A on the plus strand (C>T on the coding strand, the complement: RUNX1 is on the minus strand). VCF-style: chr21-34799425-G-A. GRCh37 (hg19) VCF-style: chr21-36171722-G-A.
Other names: c.762C>T, p.Tyr254= (NM_001001890.3); c.843C>T (NM_001754.4).
Identifiers: ClinVar variation 532679 (VCV000532679.12), dbSNP rs377142186, ClinGen allele CA10014283.

ClinVar aggregate classification (germline): Likely benign. Review status: reviewed by expert panel (3 of 4 stars). 2 submissions from 2 submitters: Likely benign (1). 1 of the submissions does not count toward it. Last evaluated 2020-04-10.

Conditions:
Hereditary thrombocytopenia and hematologic cancer predisposition syndrome. Identifiers: Orphanet 71290, MedGen CN281654, MONDO:0011071.
Hereditary thrombocytopenia and hematological cancer predisposition syndrome associated with RUNX1. Also called: Familial Platelet Disorder with Propensity to Acute Myelogenous Leukemia; Familial thrombocytopenia with propensity to acute myelogenous leukemia; RUNX1 Familial Platelet Disorder with Associated Myeloid Malignancies; PLATELET DISORDER, ASPIRIN-LIKE. Identifiers: Orphanet 71290, MedGen C1832388, MeSH C563324, MONDO:0100083, OMIM 601399.

Allele frequency attached by ClinVar (database versions not stated): gnomAD exomes 0.00001; ExAC 0.00002; gnomAD 0.00002; TOPMed 0.00002; ESP Exome Variant Server 0.00008.
gnomAD v4.1: 27 of 1,614,034 alleles (0.0017%); highest among the groups gnomAD compares: East Asian, 0.0045%; no homozygotes.

Submissions (2):

ClinGen Myeloid Malignancy Variant Curation Expert Panel
Classification: Likely benign for Hereditary thrombocytopenia and hematologic cancer predisposition syndrome. Last evaluated: 2020-04-10. Review status: reviewed by expert panel. Criteria: ClinGen MyeloMalig ACMG Specifications v1. Collection method: curation. Allele origin: germline. Inheritance: Autosomal dominant inheritance.
Comment: This synonymous variant is predicted by SSF and MES to lead to either an increase in the canonical splice site score or a decrease of the canonical splice site score by no more than 10% and no putative cryptic splice sites are created; in addition, evolutionary conservation prediction algorithms predict the site as not being highly conserved (PhyloP score -2.38 < 0.1 [-14.1;6.4]) (BP4+BP7). In summary, this variant meets criteria to be classified as likely benign. ACMG/AMP criteria applied, as specified by the ClinGen Myeloid Malignancy Variant Curation Expert Panel for RUNX1: BP4 and BP7.

Labcorp Genetics (formerly Invitae), Labcorp
Classification: Likely benign for Hereditary thrombocytopenia and hematological cancer predisposition syndrome associated with RUNX1. Last evaluated: 2025-12-23. Review status: criteria provided, single submitter. Criteria: Invitae Variant Classification Sherloc (09022015). Collection method: clinical testing. Allele origin: germline. Not counted in ClinVar's aggregate classification.